The following is an entry in ClinVar:

NM_001009944.3(PKD1):c.4151C>T (p.Thr1384Ile)

Gene: PKD1 (polycystin 1, transient receptor potential channel interacting; minus strand). Cytogenetic location: 16p13.3.
Variant type: single nucleotide variant.
Coding change: c.4151C>T on transcript NM_001009944.3 (MANE Select); coding-DNA position 4151, C replaced by T.
Protein change: p.Thr1384Ile; replaces threonine 1384 with isoleucine.
Molecular consequence: missense variant.
Genome position (GRCh38, 1-based): chr16:2,111,016, G>A on the plus strand (C>T on the coding strand, the complement: PKD1 is on the minus strand). VCF-style: chr16-2111016-G-A. GRCh37 (hg19) VCF-style: chr16-2161017-G-A.
Other names: c.4151C>T, p.Thr1384Ile (NM_000296.4); short protein forms T1384I.
Identifiers: ClinVar variation 2446692 (VCV002446692.3), dbSNP rs150031440, ClinGen allele CA7832474.

ClinVar aggregate classification (germline): Conflicting classifications of pathogenicity. Review status: criteria provided, conflicting classifications (1 of 4 stars). 2 submissions from 2 submitters: Uncertain significance (1); Likely benign (1). Last evaluated 2025-12-04.

Conditions:
PKD1-related disorder. Also called: PKD1-related condition.

Allele frequency attached by ClinVar (database versions not stated): gnomAD exomes 0.00004; ExAC 0.00014; 1000 Genomes Project 0.00040; gnomAD 0.00046; 1000 Genomes Project 30x 0.00062; ESP Exome Variant Server 0.00062; TOPMed 0.00063.
gnomAD v4.1: 131 of 1,610,690 alleles (0.0081%); highest among the groups gnomAD compares: African/African-American, 0.16%; no homozygotes.

Submissions (2):

GeneDx
Classification: Uncertain significance. Last evaluated: 2025-12-04. Review status: criteria provided, single submitter. Criteria: GeneDx Variant Classification Process June 2021. Collection method: clinical testing. Allele origin: germline. Affected: yes.
Comment: Identified with a second variant on the opposite allele (in trans) in a patient with cystic kidney disease in published literature (PMID: 35368817); In silico analysis supports that this missense variant has a deleterious effect on protein structure/function; This variant is associated with the following publications: (PMID: 35368817)

PreventionGenetics, part of Exact Sciences
Classification: Likely benign for PKD1-related condition. Last evaluated: 2025-02-10. Review status: criteria provided, single submitter. Criteria: ACMG Guidelines, 2015. Collection method: clinical testing. Allele origin: germline.
Comment: This variant is classified as likely benign based on ACMG/AMP sequence variant interpretation guidelines (Richards et al. 2015 PMID: 25741868, with internal and published modifications).